The following is an entry in ClinVar:

NM_017617.5(NOTCH1):c.2491G>A (p.Ala831Thr)

Gene: NOTCH1 (notch receptor 1; minus strand). Cytogenetic location: 9q34.3.
Variant type: single nucleotide variant.
Coding change: c.2491G>A on transcript NM_017617.5 (MANE Select); coding-DNA position 2491, G replaced by A.
Protein change: p.Ala831Thr; replaces alanine 831 with threonine.
Molecular consequence: missense variant.
Genome position (GRCh38, 1-based): chr9:136,511,248, C>T on the plus strand (G>A on the coding strand, the complement: NOTCH1 is on the minus strand). VCF-style: chr9-136511248-C-T. GRCh37 (hg19) VCF-style: chr9-139405700-C-T.
Other names: c.2491G>A (NM_017617.4); short protein forms A831T.
Identifiers: ClinVar variation 2169260 (VCV002169260.5), dbSNP rs1221479422, ClinGen allele CA375555525.
Genomic context (GRCh38, chr9:136,511,248, plus strand): 5'-CATAGTCCTCGGATTGCCTGCACTCCCCGCCGTTTCTGCAGGGGCTGGGGGCACACGGGG[C>T]CAGCACCACCTCACACGTGGCACCTGCGGGAAGGAGACACACGTGACCCCGGGAGCCTCA-3'
Protein context (NP_060087.3, residues 821-841): YTGATCEVVL[Ala831Thr]PCAPSPCRNG

ClinVar aggregate classification (germline): Uncertain significance. Review status: criteria provided, single submitter (1 of 4 stars). 2 submissions from 2 submitters: Uncertain significance (1). 1 of the submissions does not count toward it. Last evaluated 2024-06-24.

Conditions:
Adams-Oliver syndrome 5 (AOS5). Identifiers: Orphanet 974, MedGen C4014970, MONDO:0014459, OMIM 616028.
NOTCH1-related disorder. Also called: NOTCH1-related condition; NOTCH1-related disorders.

Allele frequency attached by ClinVar (database versions not stated): gnomAD exomes below 0.00001.
gnomAD v4.1: 2 of 1,612,380 alleles (0.00012%); highest among the groups gnomAD compares: Admixed American, 0.0017%; no homozygotes.

Submissions (2):

Labcorp Genetics (formerly Invitae), Labcorp
Classification: Uncertain significance for Adams-Oliver syndrome 5. Last evaluated: 2024-06-24. Review status: criteria provided, single submitter. Criteria: Invitae Variant Classification Sherloc (09022015). Collection method: clinical testing. Allele origin: germline.
Comment: This sequence change replaces alanine, which is neutral and non-polar, with threonine, which is neutral and polar, at codon 831 of the NOTCH1 protein (p.Ala831Thr). This variant is not present in population databases (gnomAD no frequency). This variant has not been reported in the literature in individuals affected with NOTCH1-related conditions. ClinVar contains an entry for this variant (Variation ID: 2169260). Advanced modeling of protein sequence and biophysical properties (such as structural, functional, and spatial information, amino acid conservation, physicochemical variation, residue mobility, and thermodynamic stability) performed at Invitae indicates that this missense variant is not expected to disrupt NOTCH1 protein function with a negative predictive value of 95%. In summary, the available evidence is currently insufficient to determine the role of this variant in disease. Therefore, it has been classified as a Variant of Uncertain Significance.

PreventionGenetics, part of Exact Sciences
Classification: Uncertain significance for NOTCH1-related condition. Last evaluated: 2024-04-08. Review status: no assertion criteria provided. Collection method: clinical testing. Allele origin: germline. Not counted in ClinVar's aggregate classification.
Comment: The NOTCH1 c.2491G>A variant is predicted to result in the amino acid substitution p.Ala831Thr. To our knowledge, this variant has not been reported in the literature or in a large population database, indicating this variant is rare. At this time, the clinical significance of this variant is uncertain due to the absence of conclusive functional and genetic evidence.